The following is an entry in ClinVar:

NM_033225.6(CSMD1):c.4447G>A (p.Val1483Met)

Gene: CSMD1 (CUB and Sushi multiple domains 1; minus strand). Cytogenetic location: 8p23.2.
Variant type: single nucleotide variant.
Coding change: c.4447G>A on transcript NM_033225.6 (MANE Select); coding-DNA position 4447, G replaced by A.
Protein change: p.Val1483Met; replaces valine 1483 with methionine.
Molecular consequence: missense variant.
Genome position (GRCh38, 1-based): chr8:3,223,766, C>T on the plus strand (G>A on the coding strand, the complement: CSMD1 is on the minus strand). VCF-style: chr8-3223766-C-T. GRCh37 (hg19) VCF-style: chr8-3081288-C-T.
Other names: short protein forms V1483M.
Identifiers: ClinVar variation 2629716 (VCV002629716.2), dbSNP rs2488708532, ClinGen allele CA369977572.

ClinVar aggregate classification (germline): Uncertain significance (1 of 4 stars; one submission).

Conditions:
CSMD1-related disorder. Also called: CSMD1-related condition.

Submission:

PreventionGenetics, part of Exact Sciences
Classification: Uncertain significance for CSMD1-related condition. Last evaluated: 2025-06-09. Review status: criteria provided, single submitter. Criteria: ACMG Guidelines, 2015. Collection method: clinical testing. Allele origin: germline.
Comment: The CSMD1 c.4447G>A variant is predicted to result in the amino acid substitution p.Val1483Met. To our knowledge, this variant has not been reported in the literature or in a large population database (gnomAD), indicating this variant is rare. At this time, the clinical significance of this variant is uncertain due to the absence of conclusive functional and genetic evidence.